The following is an entry in ClinVar:

NM_021224.6(ZNF462):c.5522T>C (p.Ile1841Thr)

Gene: ZNF462 (zinc finger protein 462; plus strand). Cytogenetic location: 9q31.2.
Variant type: single nucleotide variant.
Coding change: c.5522T>C on transcript NM_021224.6 (MANE Select); coding-DNA position 5522, T replaced by C.
Protein change: p.Ile1841Thr; replaces isoleucine 1841 with threonine.
Molecular consequence: missense variant. On other transcripts: intron variant (1).
Genome position (GRCh38, 1-based): chr9:106,929,434, T>C. VCF-style: chr9-106929434-T-C. GRCh37 (hg19) VCF-style: chr9-109691715-T-C.
Other names: c.3253-1091T>C (NM_001347997.2); short protein forms I1841T.
Identifiers: ClinVar variation 4076358 (VCV004076358.1).
Genomic context (GRCh38, chr9:106,929,434, plus strand): 5'-TGGAAGAAGAGGAGAGAGGCAACTTTGAGAAAGCCGAGGTGGAGGGTGAAGCTCAGGAAA[T>C]CGAGTGGCTCCCATTCCGCTGCATCAAATGCTTCAAGCTGTCCTTTAGCACTGCAGAGCT-3'
Protein context (NP_067047.4, residues 1831-1851): KAEVEGEAQE[Ile1841Thr]EWLPFRCIKC

ClinVar aggregate classification (germline): Uncertain significance (1 of 4 stars; one submission).

Conditions:
Weiss-Kruszka syndrome. Also called: Metopic ridging-ptosis-facial dysmorphism syndrome. Identifiers: Orphanet 502430, MedGen C5568107, MONDO:0032836, OMIM 618619.

Submission:

Laboratorio de Genetica e Diagnostico Molecular, Hospital Israelita Albert Einstein
Classification: Uncertain significance for Weiss-Kruszka syndrome. Last evaluated: 2024-09-16. Review status: criteria provided, single submitter. Criteria: ACMG Guidelines, 2015. Collection method: clinical testing. Allele origin: germline. Affected: yes.
Comment: ACMG classification criteria: PM2 supporting, PP2 supporting, BP4 supporting